The following is an entry in ClinVar:

ClinVar aggregate classification (germline): Uncertain significance. Review status: criteria provided, multiple submitters, no conflicts (2 of 4 stars). 2 submissions from 2 submitters: Uncertain significance (2). Last evaluated 2025-11-17.

Conditions:
Inborn genetic diseases. Identifiers: MedGen C0950123, MeSH D030342.
Progressive microcephaly-seizures-cortical blindness-developmental delay syndrome. Also called: Seizures, cortical blindness, and microcephaly syndrome. Identifiers: Orphanet 477814, MedGen C5567650, MONDO:0014714, OMIM 616632.
Autosomal dominant nonsyndromic hearing loss 1. Also called: KONIGSMARK SYNDROME; DEAFNESS, AUTOSOMAL DOMINANT 1, WITH OR WITHOUT THROMBOCYTOPENIA. Identifiers: Orphanet 90635, MedGen C1852282, MONDO:0007424, OMIM 124900.

gnomAD v4.1: 4 of 1,614,026 alleles (0.00025%); highest among the groups gnomAD compares: African/African-American, 0.0027%; no homozygotes.

Submissions (2):

Labcorp Genetics (formerly Invitae), Labcorp
Classification: Uncertain significance for Progressive microcephaly-seizures-cortical blindness-developmental delay syndrome; Autosomal dominant nonsyndromic hearing loss 1. Last evaluated: 2025-11-17. Review status: criteria provided, single submitter. Criteria: Invitae Variant Classification Sherloc (09022015). Collection method: clinical testing. Allele origin: germline.
Comment: This sequence change replaces aspartic acid, which is acidic and polar, with asparagine, which is neutral and polar, at codon 536 of the DIAPH1 protein (p.Asp536Asn). This variant is not present in population databases (gnomAD no frequency). This variant has not been reported in the literature in individuals affected with DIAPH1-related conditions. ClinVar contains an entry for this variant (Variation ID: 1475149). An algorithm developed to predict the effect of missense changes on protein structure and function outputs the following: PolyPhen-2: "Not Available". The asparagine amino acid residue is found in multiple mammalian species, which suggests that this missense change does not adversely affect protein function. In summary, the available evidence is currently insufficient to determine the role of this variant in disease. Therefore, it has been classified as a Variant of Uncertain Significance.

Ambry Genetics
Classification: Uncertain significance for Inborn genetic diseases. Last evaluated: 2022-12-19. Review status: criteria provided, single submitter. Criteria: Ambry Variant Classification Scheme 2023. Collection method: clinical testing. Allele origin: germline.

NM_005219.5(DIAPH1):c.1606G>A (p.Asp536Asn)

Gene: DIAPH1 (diaphanous related formin 1; minus strand). Cytogenetic location: 5q31.3.
Variant type: single nucleotide variant.
Coding change: c.1606G>A on transcript NM_005219.5 (MANE Select); coding-DNA position 1606, G replaced by A.
Protein change: p.Asp536Asn; replaces aspartic acid 536 with asparagine.
Molecular consequence: missense variant.
Genome position (GRCh38, 1-based): chr5:141,575,002, C>T on the plus strand (G>A on the coding strand, the complement: DIAPH1 is on the minus strand). VCF-style: chr5-141575002-C-T. GRCh37 (hg19) VCF-style: chr5-140954569-C-T.
Other names: c.1606G>A (NM_005219.4); c.1579G>A, p.Asp527Asn (NM_001079812.3); c.1606G>A, p.Asp536Asn (NM_001314007.2); short protein forms D527N, D536N.
Identifiers: ClinVar variation 1475149 (VCV001475149.9), dbSNP rs377104351, ClinGen allele CA361523237.
Genomic context (GRCh38, chr5:141,575,002, plus strand): 5'-TCTGCCTTCCCTGCTCAGGCATTACCTCTCCTGTGAGCTGGGACACCTCTGCTTCCAGGT[C>T]CTGTTTCTCTGTGGCAATTTGCTGCTTTTCAGAATGCAGTGCATCTTTTTCTCCCTGAAG-3'
Protein context (NP_005210.3, residues 526-546): EKQQIATEKQ[Asp536Asn]LEAEVSQLTG